The following is an entry in ClinVar:

ClinVar aggregate classification (germline): Uncertain significance. Review status: criteria provided, multiple submitters, no conflicts (2 of 4 stars). 2 submissions from 2 submitters: Uncertain significance (2). Last evaluated 2022-03-28.

Conditions:
Inborn genetic diseases. Identifiers: MedGen C0950123, MeSH D030342.

Allele frequency attached by ClinVar (database versions not stated): gnomAD exomes 0.00005 and 0.00007; ExAC 0.00006; gnomAD 0.00007 and 0.00009; TOPMed 0.00014; 1000 Genomes Project 0.00040; 1000 Genomes Project 30x 0.00047.
gnomAD v4.1: 113 of 1,612,198 alleles (0.007%); highest among the groups gnomAD compares: Non-Finnish European, 0.0089%; no homozygotes.

Submissions (2):

Ambry Genetics
Classification: Uncertain significance for Inborn genetic diseases. Last evaluated: 2022-03-28. Review status: criteria provided, single submitter. Criteria: Ambry Variant Classification Scheme 2023. Collection method: clinical testing. Allele origin: germline.

Labcorp Genetics (formerly Invitae), Labcorp
Classification: Uncertain significance. Last evaluated: 2022-03-16. Review status: criteria provided, single submitter. Criteria: Invitae Variant Classification Sherloc (09022015). Collection method: clinical testing. Allele origin: germline.
Comment: This variant has not been reported in the literature in individuals affected with POP1-related conditions. This variant is present in population databases (rs150324095, gnomAD 0.01%). This sequence change replaces arginine, which is basic and polar, with glycine, which is neutral and non-polar, at codon 405 of the POP1 protein (p.Arg405Gly). Algorithms developed to predict the effect of missense changes on protein structure and function (SIFT, PolyPhen-2, Align-GVGD) all suggest that this variant is likely to be tolerated. In summary, the available evidence is currently insufficient to determine the role of this variant in disease. Therefore, it has been classified as a Variant of Uncertain Significance.

Literature cited by the submitters: PubMed 31235738 (cited by Ambry Genetics).

NM_001145860.2(POP1):c.1213A>G (p.Arg405Gly)

Gene: POP1 (POP1 homolog, ribonuclease P/MRP subunit; plus strand). Cytogenetic location: 8q22.2.
Variant type: single nucleotide variant.
Coding change: c.1213A>G on transcript NM_001145860.2 (MANE Select); coding-DNA position 1213, A replaced by G.
Protein change: p.Arg405Gly; replaces arginine 405 with glycine.
Molecular consequence: missense variant.
Genome position (GRCh38, 1-based): chr8:98,136,683, A>G. VCF-style: chr8-98136683-A-G. GRCh37 (hg19) VCF-style: chr8-99148911-A-G.
Other names: c.1213A>G, p.Arg405Gly (NM_001145861.2, NM_015029.3); c.1213A>G (NM_015029.2); short protein forms R405G.
Identifiers: ClinVar variation 1411031 (VCV001411031.7), dbSNP rs150324095, ClinGen allele CA4820511.